The following is an entry in ClinVar:

NM_004006.3(DMD):c.10625C>T (p.Pro3542Leu)

Gene: DMD (dystrophin; minus strand). Cytogenetic location: Xp21.2.
Variant type: single nucleotide variant.
Coding change: c.10625C>T on transcript NM_004006.3 (MANE Select); coding-DNA position 10625, C replaced by T.
Protein change: p.Pro3542Leu; replaces proline 3542 with leucine.
Molecular consequence: missense variant.
Genome position (GRCh38, 1-based): chrX:31,147,447, G>A on the plus strand (C>T on the coding strand, the complement: DMD is on the minus strand). VCF-style: chrX-31147447-G-A. GRCh37 (hg19) VCF-style: chrX-31165564-G-A.
Other names: c.10601C>T, p.Pro3534Leu (NM_000109.4); c.10613C>T, p.Pro3538Leu (NM_004009.3); c.10256C>T, p.Pro3419Leu (NM_004010.3); c.6602C>T, p.Pro2201Leu (NM_004011.4); c.6593C>T, p.Pro2198Leu (NM_004012.4); c.3245C>T, p.Pro1082Leu (NM_004013.3, NM_004021.3); c.2438C>T, p.Pro813Leu (NM_004014.3); c.1421C>T, p.Pro474Leu (NM_004015.3, NM_004016.3); and 3 more; short protein forms P3419L, P3542L, P813L, P1082L, P3538L, P972L, P1069L, P2198L.
Identifiers: ClinVar variation 2881485 (VCV002881485.4), dbSNP rs2519444242, ClinGen allele CA412649411.

ClinVar aggregate classification (germline): Uncertain significance. Review status: criteria provided, single submitter (1 of 4 stars). 2 submissions from 2 submitters: Uncertain significance (1). 1 of the submissions does not count toward it. Last evaluated 2023-05-04.

Conditions:
Duchenne muscular dystrophy (DMD). Also called: MUSCULAR DYSTROPHY, PSEUDOHYPERTROPHIC PROGRESSIVE, DUCHENNE TYPE; Duchenne Muscular Dystrophy (DMD). Identifiers: Orphanet 98896, MedGen C0013264, MONDO:0010679, OMIM 310200.
Becker muscular dystrophy, Cardiomyopathy, Duchenne muscular dystrophy, Dystrophin deficiency.

Submissions (2):

Labcorp Genetics (formerly Invitae), Labcorp
Classification: Uncertain significance for Duchenne muscular dystrophy. Last evaluated: 2023-05-04. Review status: criteria provided, single submitter. Criteria: Invitae Variant Classification Sherloc (09022015). Collection method: clinical testing. Allele origin: germline.
Comment: In summary, the available evidence is currently insufficient to determine the role of this variant in disease. Therefore, it has been classified as a Variant of Uncertain Significance. Advanced modeling of protein sequence and biophysical properties (such as structural, functional, and spatial information, amino acid conservation, physicochemical variation, residue mobility, and thermodynamic stability) performed at Invitae indicates that this missense variant is not expected to disrupt DMD protein function. This variant has not been reported in the literature in individuals affected with DMD-related conditions. This variant is not present in population databases (gnomAD no frequency). This sequence change replaces proline, which is neutral and non-polar, with leucine, which is neutral and non-polar, at codon 3542 of the DMD protein (p.Pro3542Leu).

Natera, Inc.
Classification: Uncertain significance for Becker muscular dystrophy, Cardiomyopathy, Duchenne muscular dystrophy, Dystrophin deficiency. Last evaluated: 2025-01-30. Review status: no assertion criteria provided. Collection method: clinical testing. Allele origin: germline. Not counted in ClinVar's aggregate classification.